The following is an entry in ClinVar:

ClinVar aggregate classification (germline): Benign. Review status: criteria provided, multiple submitters, no conflicts (2 of 4 stars). 3 submissions from 2 submitters: Benign (3). Last evaluated 2018-01-12.

Conditions:
Sacral defect with anterior meningocele. Identifiers: MedGen C1838568, OMIM 600145.
Neural tube defect (NTD). Also called: Neural tube defects. Identifiers: Orphanet 3388, Orphanet 823, MedGen C0027794, MONDO:0018075, HP:0045005.

Allele frequency attached by ClinVar (database versions not stated): gnomAD 0.10807 and 0.11737; TOPMed 0.11087; 1000 Genomes Project 30x 0.18270; 1000 Genomes Project 0.19129; gnomAD exomes 0.24197.
gnomAD v4.1: 17,877 of 151,386 alleles (12%); highest among the groups gnomAD compares: South Asian, 33%; 1,325 homozygotes.

Submissions (3):

Illumina Laboratory Services, Illumina
Classification: Benign for Neural tube defects, susceptibility to. Last evaluated: 2018-01-12. Review status: criteria provided, single submitter. Criteria: ICSL Variant Classification Criteria 13 December 2019. Collection method: clinical testing. Allele origin: germline.
Comment: This variant was observed in the ICSL laboratory as part of a predisposition screen in an ostensibly healthy population. It had not been previously curated by ICSL or reported in the Human Gene Mutation Database (HGMD: prior to June 1st, 2018), and was therefore a candidate for classification through an automated scoring system. Utilizing variant allele frequency, disease prevalence and penetrance estimates, and inheritance mode, an automated score was calculated to assess if this variant is too frequent to cause the disease. Based on the score and internal cut-off values, a variant classified as benign is not then subjected to further curation. The score for this variant resulted in a classification of benign for this disease.

Illumina Laboratory Services, Illumina
Classification: Benign for Sacral defect with anterior meningocele. Last evaluated: 2018-01-12. Review status: criteria provided, single submitter. Criteria: ICSL Variant Classification Criteria 13 December 2019. Collection method: clinical testing. Allele origin: germline.
Comment: the same text as in the submission from Illumina Laboratory Services, Illumina above.

Breakthrough Genomics
Classification: Benign. Review status: criteria provided, single submitter. Criteria: ACMG Guidelines, 2015. Collection method: not provided. Allele origin: germline. Inheritance: Autosomal dominant inheritance. Affected: yes.

NM_138959.3(VANGL1):c.-224C>A

Gene: VANGL1 (VANGL planar cell polarity protein 1; plus strand). Cytogenetic location: 1p13.1.
Variant type: single nucleotide variant.
Coding change: c.-224C>A on transcript NM_138959.3 (MANE Select); 224 bases upstream of the start codon, C replaced by A.
Molecular consequence: 5 prime UTR variant.
Genome position (GRCh38, 1-based): chr1:115,642,000, C>A. VCF-style: chr1-115642000-C-A. GRCh37 (hg19) VCF-style: chr1-116184621-C-A.
Other names: c.-224C>A (NM_001172411.2).
Identifiers: ClinVar variation 291998 (VCV000291998.6), dbSNP rs191609592, ClinGen allele CA10607629.
Genomic context (GRCh38, chr1:115,642,000, plus strand): 5'-GCGGCGCCGGGACAGGAAGCGGAAAGCAGCAGTGCAGCGGCGGCGGCGGCGGGGCTCTGC[C>A]TCTCCAGGAGCCCAGCGCAGGCCGCAGAGCCGGGGCCGCTGTGAGCCGAGACCGCGGGCC-3'